The following is an entry in ClinVar:

ClinVar aggregate classification (germline): Pathogenic (1 of 4 stars; one submission).

Conditions:
Early-infantile DEE. Also called: Early infantile epileptic encephalopathy; Ohtahara syndrome; Early infantile epileptic encephalopathy with suppression bursts. Identifiers: Orphanet 1934, MedGen C0393706, MONDO:0800491.

Submission:

Labcorp Genetics (formerly Invitae), Labcorp
Classification: Pathogenic for Early-infantile DEE. Last evaluated: 2020-09-17. Review status: criteria provided, single submitter. Criteria: Invitae Variant Classification Sherloc (09022015). Collection method: clinical testing. Allele origin: germline.
Comment: This variant is not present in population databases (ExAC no frequency). This sequence change creates a premature translational stop signal (p.Ser1424Cysfs*13) in the SCN1A gene. It is expected to result in an absent or disrupted protein product. This variant has not been reported in the literature in individuals with SCN1A-related disease. For these reasons, this variant has been classified as Pathogenic. Loss-of-function variants in SCN1A are known to be pathogenic (PMID: 17347258, 18930999).

Literature cited by the submitters: PubMed 17347258; PubMed 18930999.

NM_001165963.4(SCN1A):c.4269_4272del (p.Ser1424fs)

Genes: SCN1A (sodium voltage-gated channel alpha subunit 1; minus strand), LOC102724058 (uncharacterized LOC102724058; plus strand). Cytogenetic location: 2q24.3.
Variant type: Microsatellite.
Coding change: c.4269_4272del on transcript NM_001165963.4 (MANE Select); coding-DNA positions 4269 to 4272, 4 bases deleted (CTCT; older notation c.4269_4272delCTCT).
Protein change: p.Ser1424fs; shifts the reading frame from serine 1424.
Molecular consequence: frameshift variant. On other transcripts: non-coding transcript variant (1).
Genome position (GRCh38, 1-based): chr2:166,002,484-166,002,487, AGAG deleted on the plus strand (CTCT on the coding strand, the reverse complement: SCN1A is on the minus strand); deleting any 4 consecutive bases within chr2:166,002,484-166,002,490 gives the same sequence; the c. name uses the placement nearest the transcript's 3' end. VCF-style (leftmost placement, unchanged base first): chr2-166002483-AAGAG-A. GRCh37 (hg19) VCF-style: chr2-166858993-AAGAG-A.
Other names: c.4185_4188del, p.Ser1396fs (NM_001165964.3, NM_001353957.2, NM_001353958.2); c.4269_4272del, p.Ser1424fs (NM_001202435.3, NM_001353948.2); c.4236_4239del, p.Ser1413fs (NM_001353949.2, NM_001353950.2, NM_001353951.2 and 2 more transcripts); c.4233_4236del, p.Ser1412fs (NM_001353954.2, NM_001353955.2); c.4182_4185del, p.Ser1395fs (NM_001353960.2); c.1827_1830del, p.Ser610fs (NM_001353961.2); c.4269_4272del (NM_001165963.1); short protein forms S1395fs, S610fs, S1413fs, S1396fs, S1412fs, S1424fs.
Identifiers: ClinVar variation 662593 (VCV000662593.9), dbSNP rs1574004452, ClinGen allele CA915942875.
Genomic context (GRCh38, chr2:166,002,483, plus strand): 5'-TTATTATTCCAAACAATAAAAATATTCAGAGAAAATAGTGTTCACTTACAACTTGAAGCA[AAGAG>A]AGATACCCAAATCCTACATTATCAAAGTTTACTTTCACATTTTTCCATCGAGCAGTCTCA-3'